The following is an entry in ClinVar:

NM_016111.4(TELO2):c.742_830+600del

Gene: TELO2 (telomere maintenance 2; plus strand). Cytogenetic location: 16p13.3.
Variant type: Deletion.
Coding change: c.742_830+600del on transcript NM_016111.4 (MANE Select); coding-DNA position 742 through 600 bases into the intron after coding-DNA position 830, 689 bases deleted.
Molecular consequence: splice donor variant.
Genome position (GRCh38, 1-based): chr16:1,497,420-1,498,108, 689 bases deleted. GRCh37 (hg19): chr16:1,547,421-1,548,109.
Other names: c.742_830+600del (NM_001351846.2).
Identifiers: ClinVar variation 2831679 (VCV002831679.3), dbSNP rs2505926819, ClinGen allele CA2739269854.

ClinVar aggregate classification (germline): Likely pathogenic (1 of 4 stars; one submission).

Submission:

Labcorp Genetics (formerly Invitae), Labcorp
Classification: Likely pathogenic. Last evaluated: 2023-01-27. Review status: criteria provided, single submitter. Criteria: Invitae Variant Classification Sherloc (09022015). Collection method: clinical testing. Allele origin: germline.
Comment: In summary, the currently available evidence indicates that the variant is pathogenic, but additional data are needed to prove that conclusively. Therefore, this variant has been classified as Likely Pathogenic. This variant has not been reported in the literature in individuals affected with TELO2-related conditions. This variant is not present in population databases (gnomAD no frequency). This variant results in the deletion of part of exon 5 (c.742_830+600del) of the TELO2 gene. It is expected to disrupt RNA splicing. Variants that disrupt the donor or acceptor splice site typically lead to a loss of protein function (PMID: 16199547), and loss-of-function variants in TELO2 are known to be pathogenic (PMID: 28944240).

Literature cited by the submitters: PubMed 16199547; PubMed 28944240.